The following is an entry in ClinVar:

NM_000426.4(LAMA2):c.7426C>A (p.Leu2476Met)

Gene: LAMA2 (laminin subunit alpha 2; plus strand). Cytogenetic location: 6q22.33.
Variant type: single nucleotide variant.
Coding change: c.7426C>A on transcript NM_000426.4 (MANE Select); coding-DNA position 7426, C replaced by A.
Protein change: p.Leu2476Met; replaces leucine 2476 with methionine.
Molecular consequence: missense variant.
Genome position (GRCh38, 1-based): chr6:129,473,339, C>A. VCF-style: chr6-129473339-C-A. GRCh37 (hg19) VCF-style: chr6-129794484-C-A.
Other names: c.7426C>A, p.Leu2476Met (NM_001079823.2); short protein forms L2476M.
Identifiers: ClinVar variation 477504 (VCV000477504.7), dbSNP rs963858482, ClinGen allele CA146898655.

ClinVar aggregate classification (germline): Uncertain significance. Review status: criteria provided, multiple submitters, no conflicts (2 of 4 stars). 3 submissions from 3 submitters: Uncertain significance (3). Last evaluated 2025-06-30.

Conditions:
Inborn genetic diseases. Identifiers: MedGen C0950123, MeSH D030342.
LAMA2-related muscular dystrophy (LAMA2-RD). Also called: Laminin alpha 2-related dystrophy. Identifiers: MedGen C5679788, MONDO:0100228.

Allele frequency attached by ClinVar (database versions not stated): gnomAD 0.00001; gnomAD exomes 0.00001; TOPMed 0.00005.
gnomAD v4.1: 20 of 1,612,250 alleles (0.0012%); highest among the groups gnomAD compares: Admixed American, 0.0033%; no homozygotes.

Submissions (3):

Ambry Genetics
Classification: Uncertain significance for Inborn genetic diseases. Last evaluated: 2025-06-30. Review status: criteria provided, single submitter. Criteria: Ambry Variant Classification Scheme 2023. Collection method: clinical testing. Allele origin: germline.

Labcorp Genetics (formerly Invitae), Labcorp
Classification: Uncertain significance for LAMA2-related muscular dystrophy. Last evaluated: 2024-10-22. Review status: criteria provided, single submitter. Criteria: Invitae Variant Classification Sherloc (09022015). Collection method: clinical testing. Allele origin: germline.
Comment: This sequence change replaces leucine, which is neutral and non-polar, with methionine, which is neutral and non-polar, at codon 2476 of the LAMA2 protein (p.Leu2476Met). This variant is not present in population databases (gnomAD no frequency). This variant has not been reported in the literature in individuals affected with LAMA2-related conditions. ClinVar contains an entry for this variant (Variation ID: 477504). Invitae Evidence Modeling of protein sequence and biophysical properties (such as structural, functional, and spatial information, amino acid conservation, physicochemical variation, residue mobility, and thermodynamic stability) indicates that this missense variant is not expected to disrupt LAMA2 protein function with a negative predictive value of 95%. In summary, the available evidence is currently insufficient to determine the role of this variant in disease. Therefore, it has been classified as a Variant of Uncertain Significance.

Revvity Omics, Revvity
Classification: Uncertain significance. Last evaluated: 2019-07-11. Review status: criteria provided, single submitter. Criteria: ACMG Guidelines, 2015. Collection method: clinical testing. Allele origin: germline.